The following is an entry in ClinVar:

ClinVar aggregate classification (germline): Uncertain significance. Review status: criteria provided, multiple submitters, no conflicts (2 of 4 stars). 5 submissions from 5 submitters: Uncertain significance (5). Last evaluated 2024-12-24.

Conditions:
Inborn genetic diseases. Identifiers: MedGen C0950123, MeSH D030342.
Multiple acyl-CoA dehydrogenase deficiency (MADD). Also called: GA II; Glutaric aciduria, type 2; ETHYLMALONIC-ADIPICACIDURIA; Glutaric acidemia type II; GA 2; Glutaric Acidemia type 2. Identifiers: Orphanet 26791, MedGen C0268596, MONDO:0009282, OMIM 231680.

Allele frequency attached by ClinVar (database versions not stated): gnomAD exomes 0.00012 and 0.00023; TOPMed 0.00018; ExAC 0.00019; gnomAD 0.00021; ESP Exome Variant Server 0.00023.
gnomAD v4.1: 216 of 1,613,692 alleles (0.013%); highest among the groups gnomAD compares: Non-Finnish European, 0.016%; no homozygotes.

Submissions (5):

Ambry Genetics
Classification: Uncertain significance for Inborn genetic diseases. Last evaluated: 2024-12-24. Review status: criteria provided, single submitter. Criteria: Ambry Variant Classification Scheme 2023. Collection method: clinical testing. Allele origin: germline.

GeneDx
Classification: Uncertain significance. Last evaluated: 2024-11-20. Review status: criteria provided, single submitter. Criteria: GeneDx Variant Classification Process June 2021. Collection method: clinical testing. Allele origin: germline. Affected: yes.
Comment: In silico analysis supports that this missense variant has a deleterious effect on protein structure/function; Has not been previously published as pathogenic or benign to our knowledge

Blueprint Genetics
Classification: Uncertain significance. Last evaluated: 2024-10-11. Review status: criteria provided, single submitter. Criteria: ACMG Guidelines, 2015. Collection method: clinical testing. Allele origin: germline.

Labcorp Genetics (formerly Invitae), Labcorp
Classification: Uncertain significance for Multiple acyl-CoA dehydrogenase deficiency. Last evaluated: 2024-01-25. Review status: criteria provided, single submitter. Criteria: Invitae Variant Classification Sherloc (09022015). Collection method: clinical testing. Allele origin: germline.
Comment: This sequence change replaces arginine, which is basic and polar, with histidine, which is basic and polar, at codon 76 of the ETFB protein (p.Arg76His). This variant is present in population databases (rs148567433, gnomAD 0.06%). This variant has not been reported in the literature in individuals affected with ETFB-related conditions. ClinVar contains an entry for this variant (Variation ID: 203702). Advanced modeling of protein sequence and biophysical properties (such as structural, functional, and spatial information, amino acid conservation, physicochemical variation, residue mobility, and thermodynamic stability) performed at Invitae indicates that this missense variant is expected to disrupt ETFB protein function with a positive predictive value of 80%. In summary, the available evidence is currently insufficient to determine the role of this variant in disease. Therefore, it has been classified as a Variant of Uncertain Significance.

CeGaT Center for Human Genetics Tuebingen
Classification: Uncertain significance. Last evaluated: 2018-03-01. Review status: criteria provided, single submitter. Criteria: CeGaT Center For Human Genetics Tuebingen Variant Classification Criteria Version 2. Collection method: clinical testing. Allele origin: germline. Affected: yes. Observed: 1 variant allele.

NM_001985.3(ETFB):c.227G>A (p.Arg76His)

Gene: ETFB (electron transfer flavoprotein subunit beta; minus strand). Cytogenetic location: 19q13.41.
Variant type: single nucleotide variant.
Coding change: c.227G>A on transcript NM_001985.3 (MANE Select); coding-DNA position 227, G replaced by A.
Protein change: p.Arg76His; replaces arginine 76 with histidine.
Molecular consequence: missense variant.
Genome position (GRCh38, 1-based): chr19:51,353,280, C>T on the plus strand (G>A on the coding strand, the complement: ETFB is on the minus strand). VCF-style: chr19-51353280-C-T. GRCh37 (hg19) VCF-style: chr19-51856534-C-T.
Other names: p.R76H:CGT>CAT; c.500G>A, p.Arg167His (NM_001014763.1); short protein forms R76H, R167H.
Identifiers: ClinVar variation 203702 (VCV000203702.61), dbSNP rs148567433, ClinGen allele CA312504.